The following is an entry in ClinVar:

ClinVar aggregate classification (germline): Uncertain significance (1 of 4 stars; one submission).

Submission:

CeGaT Center for Human Genetics Tuebingen
Classification: Uncertain significance. Last evaluated: 2023-09-01. Review status: criteria provided, single submitter. Criteria: CeGaT Center For Human Genetics Tuebingen Variant Classification Criteria Version 2. Collection method: clinical testing. Allele origin: germline. Affected: yes. Observed: 1 variant allele.
Comment: SETD5: PM2, BP4

NM_001080517.3(SETD5):c.2659C>G (p.Leu887Val)

Gene: SETD5 (SET domain containing 5; plus strand). Cytogenetic location: 3p25.3.
Variant type: single nucleotide variant.
Coding change: c.2659C>G on transcript NM_001080517.3 (MANE Select); coding-DNA position 2659, C replaced by G.
Protein change: p.Leu887Val; replaces leucine 887 with valine.
Molecular consequence: missense variant.
Genome position (GRCh38, 1-based): chr3:9,464,607, C>G. VCF-style: chr3-9464607-C-G. GRCh37 (hg19) VCF-style: chr3-9506291-C-G.
Other names: c.2365C>G, p.Leu789Val (NM_001292043.2, NM_001349451.2); short protein forms L789V, L887V.
Identifiers: ClinVar variation 2653478 (VCV002653478.24), dbSNP rs2473601813, ClinGen allele CA351708136.